The following is an entry in ClinVar:

NM_001267727.2(ARSG):c.983-19_983-18delinsTT

Gene: ARSG (arylsulfatase G; plus strand). Cytogenetic location: 17q24.2.
Variant type: Indel.
Coding change: c.983-19_983-18delinsTT on transcript NM_001267727.2 (MANE Select); 19 bases into the intron before coding-DNA position 983 through 18 bases into the intron before coding-DNA position 983, GC replaced by TT.
Molecular consequence: intron variant.
Genome position (GRCh38, 1-based): chr17:68,385,045-68,385,046, GC replaced by TT. VCF-style: chr17-68385045-GC-TT. GRCh37 (hg19) VCF-style: chr17-66381186-GC-TT.
Other names: c.980-19_980-18delinsTT (NM_001352904.2, NM_001352903.2, NM_001352905.2 and 2 more transcripts); c.983-19_983-18delinsTT (NM_014960.5, NM_001352910.2, NM_001352899.2 and 3 more transcripts); c.935-19_935-18delinsTT (NM_001352909.2).
Identifiers: ClinVar variation 2101889 (VCV002101889.4), dbSNP rs2509431181, ClinGen allele CA2580095012.

ClinVar aggregate classification (germline): Uncertain significance (1 of 4 stars; one submission).

Submission:

Labcorp Genetics (formerly Invitae), Labcorp
Classification: Uncertain significance. Last evaluated: 2022-02-24. Review status: criteria provided, single submitter. Criteria: Invitae Variant Classification Sherloc (09022015). Collection method: clinical testing. Allele origin: germline.
Comment: This sequence change falls in intron 8 of the ARSG gene. It does not directly change the encoded amino acid sequence of the ARSG protein. Information on the frequency of this variant in the gnomAD database is not available, as this variant may be reported differently in the database. This variant has not been reported in the literature in individuals affected with ARSG-related conditions. Experimental studies and prediction algorithms are not available or were not evaluated, and the effect of this variant on mRNA splicing is currently unknown. In summary, the available evidence is currently insufficient to determine the role of this variant in disease. Therefore, it has been classified as a Variant of Uncertain Significance.